The following is an entry in ClinVar:

NM_000426.4(LAMA2):c.357C>A (p.Ile119=)

Gene: LAMA2 (laminin subunit alpha 2; plus strand). Cytogenetic location: 6q22.33.
Variant type: single nucleotide variant.
Coding change: c.357C>A on transcript NM_000426.4 (MANE Select); coding-DNA position 357, C replaced by A.
Protein change: p.Ile119=; no amino-acid change (isoleucine 119 retained).
Molecular consequence: synonymous variant.
Genome position (GRCh38, 1-based): chr6:129,059,857, C>A. VCF-style: chr6-129059857-C-A. GRCh37 (hg19) VCF-style: chr6-129381002-C-A.
Other names: c.357C>A, p.Ile119= (NM_001079823.2).
Identifiers: ClinVar variation 1152621 (VCV001152621.16), dbSNP rs373866593, ClinGen allele CA147271873.
Genomic context (GRCh38, chr6:129,059,857, plus strand): 5'-TACAAATGCTATTGATGGAAAGAACACTTGGTGGCAGAGTCCCAGTATTAAGAATGGAAT[C>A]GAATACCATTATGTGACAATTACCCTGGATTTACAGCAGGTATAGTTCCTCTTTTTTTGT-3'
Protein context (NP_000417.3, residues 109-129): WWQSPSIKNG[Ile119=]EYHYVTITLD

ClinVar aggregate classification (germline): Likely benign. Review status: criteria provided, multiple submitters, no conflicts (2 of 4 stars). 2 submissions from 2 submitters: Likely benign (2). Last evaluated 2025-09-01.

Conditions:
LAMA2-related muscular dystrophy (LAMA2-RD). Also called: Laminin alpha 2-related dystrophy. Identifiers: MedGen C5679788, MONDO:0100228.

gnomAD v4.1: 4 of 1,601,706 alleles (0.00025%); highest among the groups gnomAD compares: Admixed American, 0.0017%; no homozygotes.

Submissions (2):

CeGaT Center for Human Genetics Tuebingen
Classification: Likely benign. Last evaluated: 2025-09-01. Review status: criteria provided, single submitter. Criteria: CeGaT Center For Human Genetics Tuebingen Variant Classification Criteria Version 2. Collection method: clinical testing. Allele origin: germline. Affected: yes. Observed: 1 variant allele.
Comment: LAMA2: BP4, BP7

Labcorp Genetics (formerly Invitae), Labcorp
Classification: Likely benign for LAMA2-related muscular dystrophy. Last evaluated: 2024-07-06. Review status: criteria provided, single submitter. Criteria: Invitae Variant Classification Sherloc (09022015). Collection method: clinical testing. Allele origin: germline.